The following is an entry in ClinVar:

ClinVar aggregate classification (germline): Uncertain significance (1 of 4 stars; one submission).

gnomAD v4.1: 4 of 1,612,916 alleles (0.00025%); highest among the groups gnomAD compares: African/African-American, 0.0013%; no homozygotes.

Submission:

Dasa
Classification: Uncertain significance. Last evaluated: 2025-12-29. Review status: criteria provided, single submitter. Criteria: DASA Assertion Criteria. Collection method: clinical testing. Allele origin: germline.
Comment: NM_022168.4(IFIH1):c.2527C>T (p.His843Tyr) is a missense variant that results in the substitution of histidine with tyrosine. This variant is rare in population databases. The currently available literature and clinical evidence are not sufficient to establish a definitive association between this variant and the reported condition. Therefore, this variant is classified as a variant of uncertain significance.

NM_022168.4(IFIH1):c.2527C>T (p.His843Tyr)

Gene: IFIH1 (interferon induced with helicase C domain 1; minus strand). Cytogenetic location: 2q24.2.
Variant type: single nucleotide variant.
Coding change: c.2527C>T on transcript NM_022168.4 (MANE Select); coding-DNA position 2527, C replaced by T.
Protein change: p.His843Tyr; replaces histidine 843 with tyrosine.
Molecular consequence: missense variant.
Genome position (GRCh38, 1-based): chr2:162,272,315, G>A on the plus strand (C>T on the coding strand, the complement: IFIH1 is on the minus strand). VCF-style: chr2-162272315-G-A. GRCh37 (hg19) VCF-style: chr2-163128825-G-A.
Other names: short protein forms H843Y.
Identifiers: ClinVar variation 4881936 (VCV004881936.2).